The following is an entry in ClinVar:

ClinVar aggregate classification (germline): Uncertain significance (1 of 4 stars; one submission).

Allele frequency attached by ClinVar (database versions not stated): gnomAD exomes below 0.00001.
gnomAD v4.1: 2 of 1,263,068 alleles (0.00016%); highest among the groups gnomAD compares: South Asian, 0.0039%; no homozygotes.

Submission:

Labcorp Genetics (formerly Invitae), Labcorp
Classification: Uncertain significance. Last evaluated: 2024-05-31. Review status: criteria provided, single submitter. Criteria: Invitae Variant Classification Sherloc (09022015). Collection method: clinical testing. Allele origin: germline.
Comment: This sequence change replaces alanine, which is neutral and non-polar, with threonine, which is neutral and polar, at codon 19 of the PAX1 protein (p.Ala19Thr). This variant is not present in population databases (gnomAD no frequency). This variant has not been reported in the literature in individuals affected with PAX1-related conditions. ClinVar contains an entry for this variant (Variation ID: 1495567). Algorithms developed to predict the effect of missense changes on protein structure and function output the following: SIFT: "Not Available"; PolyPhen-2: "Benign"; Align-GVGD: "Not Available". The threonine amino acid residue is found in multiple mammalian species, which suggests that this missense change does not adversely affect protein function. In summary, the available evidence is currently insufficient to determine the role of this variant in disease. Therefore, it has been classified as a Variant of Uncertain Significance.

NM_001257096.2(PAX1):c.55G>A (p.Ala19Thr)

Gene: PAX1 (paired box 1; plus strand). Cytogenetic location: 20p11.22.
Variant type: single nucleotide variant.
Coding change: c.55G>A on transcript NM_001257096.2 (MANE Select); coding-DNA position 55, G replaced by A.
Protein change: p.Ala19Thr; replaces alanine 19 with threonine.
Molecular consequence: missense variant.
Genome position (GRCh38, 1-based): chr20:21,705,767, G>A. VCF-style: chr20-21705767-G-A. GRCh37 (hg19) VCF-style: chr20-21686405-G-A.
Other names: c.55G>A, p.Ala19Thr (NM_006192.5); short protein forms A19T.
Identifiers: ClinVar variation 1495567 (VCV001495567.8), dbSNP rs2122130353, ClinGen allele CA408496774.